The following is an entry in ClinVar:

ClinVar aggregate classification (germline): Conflicting classifications of pathogenicity. Review status: criteria provided, conflicting classifications (1 of 4 stars). 4 submissions from 4 submitters: Uncertain significance (1); Likely benign (3). Last evaluated 2026-01-12.

Conditions:
Inborn genetic diseases. Identifiers: MedGen C0950123, MeSH D030342.

Allele frequency attached by ClinVar (database versions not stated): gnomAD 0.00003 and 0.00004; TOPMed 0.00006.
gnomAD v4.1: 22 of 1,613,888 alleles (0.0014%); highest among the groups gnomAD compares: African/African-American, 0.0067%; no homozygotes.

Submissions (4):

Labcorp Genetics (formerly Invitae), Labcorp
Classification: Likely benign. Last evaluated: 2026-01-12. Review status: criteria provided, single submitter. Criteria: Invitae Variant Classification Sherloc (09022015). Collection method: clinical testing. Allele origin: germline.

Blueprint Genetics
Classification: Likely benign. Last evaluated: 2024-11-06. Review status: criteria provided, single submitter. Criteria: ACMG Guidelines, 2015. Collection method: clinical testing. Allele origin: germline.

GeneDx
Classification: Uncertain significance. Last evaluated: 2021-10-27. Review status: criteria provided, single submitter. Criteria: GeneDx Variant Classification Process June 2021. Collection method: clinical testing. Allele origin: germline. Affected: yes.
Comment: Has not been previously published as pathogenic or benign to our knowledge; In-silico analysis, which includes splice predictors and evolutionary conservation, is inconclusive as to whether the variant alters gene splicing. In the absence of RNA/functional studies, the actual effect of this sequence change is unknown.

Ambry Genetics
Classification: Likely benign for Inborn genetic diseases. Last evaluated: 2018-02-21. Review status: criteria provided, single submitter. Criteria: Ambry Variant Classification Scheme 2023. Collection method: clinical testing. Allele origin: germline.

NM_001349338.3(FOXP1):c.1359G>A (p.Ala453=)

Gene: FOXP1 (forkhead box P1; minus strand). Cytogenetic location: 3p13.
Variant type: single nucleotide variant.
Coding change: c.1359G>A on transcript NM_001349338.3 (MANE Select); coding-DNA position 1359, G replaced by A.
Protein change: p.Ala453=; no amino-acid change (alanine 453 retained).
Molecular consequence: synonymous variant. On other transcripts: non-coding transcript variant (2).
Genome position (GRCh38, 1-based): chr3:70,977,712, C>T on the plus strand (G>A on the coding strand, the complement: FOXP1 is on the minus strand). VCF-style: chr3-70977712-C-T. GRCh37 (hg19) VCF-style: chr3-71026863-C-T.
Other names: c.1356G>A, p.Ala452= (NM_001244808.3, NM_001349341.3); c.1359G>A, p.Ala453= (NM_001244810.2, NM_001244814.3, NM_001244816.2 and 2 more transcripts); c.1131G>A, p.Ala377= (NM_001244812.3); c.1059G>A, p.Ala353= (NM_001244813.3, NM_001244815.2, NM_001349342.3); c.1056G>A, p.Ala352= (NM_001349337.2, NM_001349343.3, NM_001349344.3 and 1 more transcripts).
Identifiers: ClinVar variation 1318459 (VCV001318459.12), dbSNP rs766683691, ClinGen allele CA2491005.